The following is an entry in ClinVar:

NM_001127644.2(GABRA1):c.1366C>T (p.Gln456Ter)

Gene: GABRA1 (gamma-aminobutyric acid type A receptor subunit alpha1; plus strand). Cytogenetic location: 5q34.
Variant type: single nucleotide variant.
Coding change: c.1366C>T on transcript NM_001127644.2 (MANE Select); coding-DNA position 1366, C replaced by T.
Protein change: p.Gln456Ter; replaces glutamine 456 with a stop codon.
Molecular consequence: nonsense.
Genome position (GRCh38, 1-based): chr5:161,897,417, C>T. VCF-style: chr5-161897417-C-T. GRCh37 (hg19) VCF-style: chr5-161324423-C-T.
Other names: c.1366C>T, p.Gln456Ter (NM_000806.5, NM_001127643.2, NM_001127645.2 and 1 more transcripts); short protein forms Q456*.
Identifiers: ClinVar variation 1007854 (VCV001007854.2), dbSNP rs1755420995, ClinGen allele CA362181421.

ClinVar aggregate classification (germline): Uncertain significance (1 of 4 stars; one submission).

Conditions:
Idiopathic generalized epilepsy. Also called: EIG; Generalised epilepsy. Identifiers: MedGen C0270850, MONDO:0005579, OMIM 600669.
Epilepsy, childhood absence 4 (ECA4). Also called: EPILEPSY, CHILDHOOD ABSENCE, SUSCEPTIBILITY TO, 4. Identifiers: Orphanet 307, MedGen C1970160.
Epilepsy, idiopathic generalized, susceptibility to, 13. Also called: EPILEPSY, JUVENILE MYOCLONIC, SUSCEPTIBILITY TO, 5. Identifiers: Orphanet 307, Orphanet 64280, MedGen C4013473, MONDO:0012627, OMIM 611136.

Allele frequency attached by ClinVar (database versions not stated): gnomAD exomes below 0.00001.
gnomAD v4.1: 1 of 1,612,956 alleles (0.000062%); highest among the groups gnomAD compares: Non-Finnish European, 0.000085%; no homozygotes.

Submission:

Labcorp Genetics (formerly Invitae), Labcorp
Classification: Uncertain significance for Epilepsy, childhood absence 4; Epilepsy, idiopathic generalized, susceptibility to, 13; Idiopathic generalized epilepsy. Last evaluated: 2020-10-08. Review status: criteria provided, single submitter. Criteria: Invitae Variant Classification Sherloc (09022015). Collection method: clinical testing. Allele origin: germline.
Comment: This sequence change results in a premature translational stop signal in the GABRA1 gene (p.Gln456*). While this is not anticipated to result in nonsense mediated decay, it is expected to disrupt the last 1 amino acid(s) of the GABRA1 protein. This variant is not present in population databases (ExAC no frequency). This variant has not been reported in the literature in individuals with GABRA1-related conditions. Experimental studies and prediction algorithms are not available or were not evaluated, and the functional significance of this variant is currently unknown. In summary, the available evidence is currently insufficient to determine the role of this variant in disease. Therefore, it has been classified as a Variant of Uncertain Significance.